The following is an entry in ClinVar:

NM_000071.3(CBS):c.1177C>T (p.Gln393Ter)

Gene: CBS (cystathionine beta-synthase; minus strand). Cytogenetic location: 21q22.3.
Variant type: single nucleotide variant.
Coding change: c.1177C>T on transcript NM_000071.3 (MANE Select); coding-DNA position 1177, C replaced by T.
Protein change: p.Gln393Ter; replaces glutamine 393 with a stop codon.
Molecular consequence: nonsense.
Genome position (GRCh38, 1-based): chr21:43,059,272, G>A on the plus strand (C>T on the coding strand, the complement: CBS is on the minus strand). VCF-style: chr21-43059272-G-A. GRCh37 (hg19) VCF-style: chr21-44479382-G-A.
Other names: c.1177C>T, p.Gln393Ter (NM_001178008.3, NM_001178009.3, NM_001320298.2); c.862C>T, p.Gln288Ter (NM_001321072.1); short protein forms Q288*, Q393*.
Identifiers: ClinVar variation 4816481 (VCV004816481.1).
Genomic context (GRCh38, chr21:43,059,272, plus strand): 5'-CCGAGCGGTCTTACCAGGGCTTCTTCTCCGTGAGGTCCTCCTCCTTCAGAAAGCCCTTCT[G>A]CAGCATCCACCTGTCGCTCAGGAACTTGGTCCTGCGGGATGGGGGAGTCACCGAGTCCCC-3'

ClinVar aggregate classification (germline): Likely pathogenic (1 of 4 stars; one submission).

Conditions:
Classic homocystinuria. Also called: HOMOCYSTINURIA WITH OR WITHOUT RESPONSE TO PYRIDOXINE; Homocystinuria due to CBS deficiency; Cystathionine beta-synthase deficiency; CBS deficiency; Homocystinuria due to Cystathionine Beta-Synthase Deficiency. Identifiers: Orphanet 394, MedGen C0751202, MONDO:0009352, OMIM 236200.

Submission:

Natera, Inc.
Classification: Likely pathogenic for Homocystinuria due to cystathionine beta-synthase deficiency. Last evaluated: 2024-11-18. Review status: criteria provided, single submitter. Criteria: Natera Variant Classification Schema (03/2026). Collection method: clinical testing. Allele origin: germline.
Comment: The c.1177C>T variant in CBS is a nonsense variant predicted to introduce a stop codon at amino acid 393. This variant is expected to result in nonsense mediated decay, truncation, or a dysfunctional protein product. This variant is rare in the general population with a frequency below the threshold expected for the associated phenotype(s). Given the available evidence, this variant is classified as Likely Pathogenic.